The following is an entry in ClinVar:

NM_004004.6(GJB2):c.266T>C (p.Leu89Pro)

Gene: GJB2 (gap junction protein beta 2; minus strand). Cytogenetic location: 13q12.11.
Variant type: single nucleotide variant.
Coding change: c.266T>C on transcript NM_004004.6 (MANE Select); coding-DNA position 266, T replaced by C.
Protein change: p.Leu89Pro; replaces leucine 89 with proline.
Molecular consequence: missense variant.
Genome position (GRCh38, 1-based): chr13:20,189,316, A>G on the plus strand (T>C on the coding strand, the complement: GJB2 is on the minus strand). VCF-style: chr13-20189316-A-G. GRCh37 (hg19) VCF-style: chr13-20763455-A-G.
Other names: short protein forms L89P.
Identifiers: ClinVar variation 1490598 (VCV001490598.8), dbSNP rs1959060148, ClinGen allele CA387461510.

ClinVar aggregate classification (germline): Likely pathogenic (1 of 4 stars; one submission).

Submission:

Labcorp Genetics (formerly Invitae), Labcorp
Classification: Likely pathogenic. Last evaluated: 2021-04-04. Review status: criteria provided, single submitter. Criteria: Invitae Variant Classification Sherloc (09022015). Collection method: clinical testing. Allele origin: germline.
Comment: This sequence change replaces leucine with proline at codon 89 of the GJB2 protein (p.Leu89Pro). The leucine residue is highly conserved and there is a moderate physicochemical difference between leucine and proline. In summary, the currently available evidence indicates that the variant is pathogenic, but additional data are needed to prove that conclusively. Therefore, this variant has been classified as Likely Pathogenic. Advanced modeling of protein sequence and biophysical properties (such as structural, functional, and spatial information, amino acid conservation, physicochemical variation, residue mobility, and thermodynamic stability) performed at Invitae indicates that this missense variant is expected to disrupt GJB2 protein function. This variant has been observed in individual(s) with autosomal recessive nonsyndromic deafness (PMID: 28405014). This variant is not present in population databases (ExAC no frequency).

Literature cited by the submitters: PubMed 28405014.